The following is an entry in ClinVar:

ClinVar aggregate classification (germline): Conflicting classifications of pathogenicity. Review status: criteria provided, conflicting classifications (1 of 4 stars). 9 submissions from 9 submitters: Uncertain significance (2); Benign (2); Likely benign (4). 1 of the submissions does not count toward it. Last evaluated 2026-08-01.

Conditions:
Complex neurodevelopmental disorder. Identifiers: Orphanet 528084, MedGen C5568766, MONDO:0100038.
Inborn genetic diseases. Identifiers: MedGen C0950123, MeSH D030342.
Developmental and epileptic encephalopathy, 11 (DEE11). Also called: Early infantile epileptic encephalopathy 11. Identifiers: Orphanet 1934, MedGen C3150987, MONDO:0013388, OMIM 613721.
Seizures, benign familial infantile, 3 (BFIS3). Also called: CONVULSIONS, BENIGN FAMILIAL INFANTILE, 3; Familial neonatal seizures. Identifiers: Orphanet 140927, Orphanet 306, MedGen C1843140, MONDO:0011904, OMIM 607745.
Febrile seizure (within the age range of 3 months to 6 years). Also called: Febrile seizure; Febrile seizures; febrile convulsion. Identifiers: MedGen C0009952, HP:0002373.
Pyridoxine-dependent epilepsy (EPEO4). Also called: EPILEPSY, EARLY-ONSET, 4, VITAMIN B6-DEPENDENT; PYRIDOXINE DEPENDENCY WITH SEIZURES; Pyridoxine-Dependent Seizures; Pyridoxine-Dependent Epilepsy - ALDH7A1. Identifiers: Orphanet 3006, MedGen C1849508, MONDO:0009945, OMIM 266100. Disease mechanism: loss of function.

Allele frequency attached by ClinVar (database versions not stated): gnomAD 0.00032; TOPMed 0.00036; ExAC 0.00006; gnomAD exomes 0.00007 and 0.00010; ESP Exome Variant Server 0.00008; 1000 Genomes Project 30x 0.00016; 1000 Genomes Project 0.00020.
gnomAD v4.1: 157 of 1,613,302 alleles (0.0097%); highest among the groups gnomAD compares: African/African-American, 0.097%; 1 homozygote.

Submissions (9):

CeGaT Center for Human Genetics Tuebingen
Classification: Benign. Last evaluated: 2026-08-01. Review status: criteria provided, single submitter. Criteria: CeGaT Center For Human Genetics Tuebingen Variant Classification Criteria Version 2. Collection method: clinical testing. Allele origin: germline. Affected: yes. Observed: 3 variant alleles.
Comment: SCN2A: BS1, BS2

Labcorp Genetics (formerly Invitae), Labcorp
Classification: Likely benign for Seizures, benign familial infantile, 3; Developmental and epileptic encephalopathy, 11. Last evaluated: 2026-01-24. Review status: criteria provided, single submitter. Criteria: Invitae Variant Classification Sherloc (09022015). Collection method: clinical testing. Allele origin: germline.

Ambry Genetics
Classification: Likely benign for Inborn genetic diseases. Last evaluated: 2025-02-20. Review status: criteria provided, single submitter. Criteria: Ambry Variant Classification Scheme 2023. Collection method: clinical testing. Allele origin: germline.

Blueprint Genetics
Classification: Likely benign. Last evaluated: 2024-05-28. Review status: criteria provided, single submitter. Criteria: ACMG Guidelines, 2015. Collection method: clinical testing. Allele origin: germline.

GeneDx
Classification: Benign. Last evaluated: 2018-10-22. Review status: criteria provided, single submitter. Criteria: GeneDx Variant Classification Process June 2021. Collection method: clinical testing. Allele origin: germline. Affected: yes.
Comment: This variant is associated with the following publications: (PMID: 30564305)

Eurofins Ntd Llc (ga)
Classification: Uncertain significance. Last evaluated: 2018-06-14. Review status: criteria provided, single submitter. Criteria: EGL ClinVar v180209 classification definitions. Collection method: clinical testing. Allele origin: germline. Observed: 1 variant allele, 1 heterozygote.

Clinical Molecular Genetics Laboratory, Johns Hopkins All Children's Hospital
Classification: Uncertain significance for Pyridoxine-dependent epilepsy. Last evaluated: 2017-04-21. Review status: criteria provided, single submitter. Criteria: ACMG Guidelines, 2015. Collection method: clinical testing. Allele origin: germline. Affected: yes.

Genetic Services Laboratory, University of Chicago
Classification: Likely benign. Last evaluated: 2016-05-12. Review status: criteria provided, single submitter. Criteria: ACMG Guidelines, 2015. Collection method: clinical testing. Allele origin: germline. Affected: no.

Department of Neurology, Children’s Hospital of Chongqing Medical University
Classification: Uncertain significance for febrile convulsion. Review status: no assertion criteria provided. Criteria: ACMG Guidelines, 2015. Collection method: research. Allele origin: maternal. Affected: yes. Not counted in ClinVar's aggregate classification.

NM_001040142.2(SCN2A):c.1376A>C (p.Glu459Ala)

Gene: SCN2A (sodium voltage-gated channel alpha subunit 2; plus strand). Cytogenetic location: 2q24.3.
Variant type: single nucleotide variant.
Coding change: c.1376A>C on transcript NM_001040142.2 (MANE Select); coding-DNA position 1376, A replaced by C.
Protein change: p.Glu459Ala; replaces glutamic acid 459 with alanine.
Molecular consequence: missense variant.
Genome position (GRCh38, 1-based): chr2:165,314,101, A>C. VCF-style: chr2-165314101-A-C. GRCh37 (hg19) VCF-style: chr2-166170611-A-C.
Other names: p.E459A:GAA>GCA; c.1376A>C, p.Glu459Ala (NM_001040143.2, NM_001371246.1, NM_001371247.1 and 1 more transcripts); short protein forms E459A.
Identifiers: ClinVar variation 130213 (VCV000130213.56), dbSNP rs184769423, ClinGen allele CA231486.
Genomic context (GRCh38, chr2:165,314,101, plus strand): 5'-CTGAACAGAAGGAAGCTGAATTTCAGCAGATGCTCGAACAGTTGAAAAAGCAACAAGAAG[A>C]AGCTCAGGTATAGTGAACAAGCATACGGTCCTTTGTTTTTCTTTATCTAAATTCTTTAAC-3'
Protein context (NP_001035232.1, residues 449-469): MLEQLKKQQE[Glu459Ala]AQAAAAAASA